The following is an entry in ClinVar:

NM_001267550.2(TTN):c.102121G>A (p.Glu34041Lys)

Genes: TTN (titin; minus strand), TTN-AS1 (TTN antisense RNA 1; plus strand). Cytogenetic location: 2q31.2.
Variant type: single nucleotide variant.
Coding change: c.102121G>A on transcript NM_001267550.2 (MANE Select); coding-DNA position 102121, G replaced by A.
Protein change: p.Glu34041Lys; replaces glutamic acid 34041 with lysine.
Molecular consequence: missense variant.
Genome position (GRCh38, 1-based): chr2:178,534,494, C>T on the plus strand (G>A on the coding strand, the complement: TTN is on the minus strand). VCF-style: chr2-178534494-C-T. GRCh37 (hg19) VCF-style: chr2-179399221-C-T.
Other names: c.97198G>A, p.Glu32400Lys (NM_001256850.1); c.74926G>A, p.Glu24976Lys (NM_003319.4); c.94417G>A, p.Glu31473Lys (NM_133378.4); c.75301G>A, p.Glu25101Lys (NM_133432.3); c.75502G>A, p.Glu25168Lys (NM_133437.4); short protein forms E34041K, E31473K, E25168K, E24976K, E25101K, E32400K.
Identifiers: ClinVar variation 466698 (VCV000466698.19), dbSNP rs377600383, ClinGen allele CA1985809.

ClinVar aggregate classification (germline): Conflicting classifications of pathogenicity. Review status: criteria provided, conflicting classifications (1 of 4 stars). 9 submissions from 9 submitters: Uncertain significance (8); Likely benign (1). Last evaluated 2025-07-09.

Conditions:
Autosomal recessive limb-girdle muscular dystrophy type 2J (LGMDR10). Also called: Limb-girdle muscular dystrophy, type 2J; MUSCULAR DYSTROPHY, LIMB-GIRDLE, AUTOSOMAL RECESSIVE 10. Identifiers: Orphanet 140922, MedGen C1837342, MONDO:0012127, OMIM 608807.
Dilated cardiomyopathy 1G (CMD1G). Identifiers: Orphanet 154, MedGen C1858763, MONDO:0011400, OMIM 604145.
TTN-related disorder. Also called: TTN-related condition; TTN-related disease; TTN-related disorders.
Hypertrophic cardiomyopathy 9. Also called: Familial hypertrophic cardiomyopathy 9. Identifiers: MedGen C1861065, MONDO:0013412, OMIM 613765.
Myopathy, myofibrillar, 9, with early respiratory failure (MFM9). Also called: Hereditary myopathy with early respiratory failure; MYOPATHY, PROXIMAL, WITH EARLY RESPIRATORY MUSCLE INVOLVEMENT; EDSTROM MYOPATHY; Myopathy, distal, with early respiratory failure, autosomal dominant. Identifiers: Orphanet 178464, Orphanet 34521, MedGen C1863599, MONDO:0011362, OMIM 603689.
Tibial muscular dystrophy (TMD). Also called: Udd Distal Myopathy – Tibial Muscular Dystrophy; UDD MYOPATHY; Tibial muscular dystrophy, tardive. Identifiers: Orphanet 609, MedGen C1838244, MONDO:0010870, OMIM 600334.
Early-onset myopathy with fatal cardiomyopathy (CMYO5). Also called: Salih Myopathy; CONGENITAL MYOPATHY 5 WITH CARDIOMYOPATHY. Identifiers: Orphanet 289377, MedGen C2673677, MONDO:0012714, OMIM 611705. Disease mechanism: loss of function.

Allele frequency attached by ClinVar (database versions not stated): gnomAD exomes 0.00007 and 0.00010; ESP Exome Variant Server 0.00008; TOPMed 0.00010; ExAC 0.00014; gnomAD 0.00014 and 0.00016.
gnomAD v4.1: 121 of 1,613,650 alleles (0.0075%); highest among the groups gnomAD compares: Non-Finnish European, 0.0098%; no homozygotes.

Submissions (9):

Women's Health and Genetics/Laboratory Corporation of America, LabCorp
Classification: Uncertain significance. Last evaluated: 2025-07-09. Review status: criteria provided, single submitter. Criteria: LabCorp Variant Classification Summary - May 2015. Collection method: clinical testing. Allele origin: germline.
Comment: Variant summary: TTN c.94417G>A (p.Glu31473Lys) results in a conservative amino acid change in the encoded protein sequence. Algorithms developed to predict the effect of missense changes on protein structure and function are either unavailable or do not agree on the potential impact of this missense change. The variant allele was found at a frequency of 0.0001 in 248722 control chromosomes. This frequency is not significantly higher than estimated for a pathogenic variant in TTN causing Dilated Cardiomyopathy (0.0001 vs 0.00039), allowing no conclusion about variant significance. c.94417G>A has been observed in individual(s) affected with Cardiomyopathy without evidence for pathogenicity (Gaertner-Rommel_2019). These report(s) do not provide unequivocal conclusions about association of the variant with Dilated Cardiomyopathy. To our knowledge, no experimental evidence demonstrating an impact on protein function has been reported. The following publication has been ascertained in the context of this evaluation (PMID: 31293105). ClinVar contains an entry for this variant (Variation ID: 466698). Based on the evidence outlined above, the variant was classified as uncertain significance.

PreventionGenetics, part of Exact Sciences
Classification: Uncertain significance for TTN-related condition. Last evaluated: 2025-06-20. Review status: criteria provided, single submitter. Criteria: ACMG Guidelines, 2015. Collection method: clinical testing. Allele origin: germline.
Comment: The TTN c.102121G>A variant is predicted to result in the amino acid substitution p.Glu34041Lys. To our knowledge, this variant has not been reported in the literature. This variant is reported in 0.025% of alleles in individuals of European (Non-Finnish) descent in gnomAD. At this time, the clinical significance of this variant is uncertain due to the absence of conclusive functional and genetic evidence.

Blueprint Genetics
Classification: Likely benign. Last evaluated: 2024-04-09. Review status: criteria provided, single submitter. Criteria: ACMG Guidelines, 2015. Collection method: clinical testing. Allele origin: germline.

Revvity Omics, Revvity
Classification: Uncertain significance. Last evaluated: 2023-09-15. Review status: criteria provided, single submitter. Criteria: ACMG Guidelines, 2015. Collection method: clinical testing. Allele origin: germline.

Department of Pathology and Laboratory Medicine, Sinai Health System
Classification: Uncertain significance for Tibial muscular dystrophy; Myopathy, myofibrillar, 9, with early respiratory failure; Dilated cardiomyopathy 1G; Autosomal recessive limb-girdle muscular dystrophy type 2J; Early-onset myopathy with fatal cardiomyopathy; Hypertrophic cardiomyopathy 9. Last evaluated: 2021-10-21. Review status: criteria provided, single submitter. Criteria: ACMG Guidelines, 2015. Collection method: research. Allele origin: germline.

Fulgent Genetics
Classification: Uncertain significance for Tibial muscular dystrophy; Myopathy, myofibrillar, 9, with early respiratory failure; Dilated cardiomyopathy 1G; Autosomal recessive limb-girdle muscular dystrophy type 2J; Early-onset myopathy with fatal cardiomyopathy; Hypertrophic cardiomyopathy 9. Last evaluated: 2021-08-04. Review status: criteria provided, single submitter. Criteria: ACMG Guidelines, 2015. Collection method: clinical testing. Allele origin: unknown.

Mayo Clinic Laboratories, Mayo Clinic
Classification: Uncertain significance. Last evaluated: 2019-12-13. Review status: criteria provided, single submitter. Criteria: ACMG Guidelines, 2015. Collection method: clinical testing. Allele origin: germline. Observed: 2 variant alleles.

Labcorp Genetics (formerly Invitae), Labcorp
Classification: Uncertain significance for Dilated cardiomyopathy 1G; Autosomal recessive limb-girdle muscular dystrophy type 2J. Last evaluated: 2017-08-16. Review status: criteria provided, single submitter. Criteria: Invitae Variant Classification Sherloc (09022015). Collection method: clinical testing. Allele origin: germline.

Eurofins Ntd Llc (ga)
Classification: Uncertain significance. Last evaluated: 2016-09-29. Review status: criteria provided, single submitter. Criteria: EGL Classification Definitions 2015. Collection method: clinical testing. Allele origin: germline. Observed: 1 variant allele, 1 heterozygote.

Literature cited by the submitters: PubMed 31293105 (cited by Women's Health and Genetics/Laboratory Corporation of America, LabCorp).